The following is an entry in ClinVar:

NM_020297.4(ABCC9):c.3590G>A (p.Arg1197His)

Genes: ABCC9 (ATP binding cassette subfamily C member 9; minus strand), KCNJ8-AS1 (KCNJ8 antisense RNA 1; plus strand). Cytogenetic location: 12p12.1.
Variant type: single nucleotide variant.
Coding change: c.3590G>A on transcript NM_020297.4 (MANE Select); coding-DNA position 3590, G replaced by A.
Protein change: p.Arg1197His; replaces arginine 1197 with histidine.
Molecular consequence: missense variant.
Genome position (GRCh38, 1-based): chr12:21,829,037, C>T on the plus strand (G>A on the coding strand, the complement: ABCC9 is on the minus strand). VCF-style: chr12-21829037-C-T. GRCh37 (hg19) VCF-style: chr12-21981971-C-T.
Other names: c.3590G>A, p.Arg1197His (NM_001377273.1, NM_005691.4); c.2723G>A, p.Arg908His (NM_001377274.1); short protein forms R1197H, R908H.
Identifiers: ClinVar variation 389883 (VCV000389883.19), dbSNP rs755156050, ClinGen allele CA6481081.

ClinVar aggregate classification (germline): Uncertain significance. Review status: criteria provided, multiple submitters, no conflicts (2 of 4 stars). 4 submissions from 4 submitters: Uncertain significance (4). Last evaluated 2025-12-11.

Conditions:
Intellectual disability and myopathy syndrome (IDMYS). Identifiers: MedGen C5676904, MONDO:0859224, OMIM 619719.
Hypertrichotic osteochondrodysplasia Cantu type. Also called: Cantu Syndrome; Cantú Syndrome. Identifiers: Orphanet 1517, MedGen C0795905, MONDO:0009406, OMIM 239850.
Dilated cardiomyopathy 1O (CMD1O). Also called: CARDIOMYOPATHY, DILATED, WITH VENTRICULAR TACHYCARDIA. Identifiers: Orphanet 154, MedGen C1837839, MONDO:0012062, OMIM 608569.
Atrial fibrillation, familial, 12 (ATFB12). Identifiers: MedGen C3279695, MONDO:0013545, OMIM 614050.
Cardiovascular phenotype. Identifiers: MedGen CN230736.

Allele frequency attached by ClinVar (database versions not stated): ExAC 0.00002; gnomAD exomes 0.00002; TOPMed 0.00006.
gnomAD v4.1: 31 of 1,613,732 alleles (0.0019%); highest among the groups gnomAD compares: African/African-American, 0.0027%; no homozygotes.

Submissions (4):

Ambry Genetics
Classification: Uncertain significance for Cardiovascular phenotype. Last evaluated: 2025-12-11. Review status: criteria provided, single submitter. Criteria: Ambry Variant Classification Scheme 2023. Collection method: clinical testing. Allele origin: germline.
Comment: The p.R1197H variant (also known as c.3590G>A), located in coding exon 29 of the ABCC9 gene, results from a G to A substitution at nucleotide position 3590. The arginine at codon 1197 is replaced by histidine, an amino acid with highly similar properties. This variant was reported in a mother and son with features of Cant&uacute; syndrome (Kort&uuml;m F et al. Eur J Med Genet, 2020 Sep;63:103996). This amino acid position is well conserved in available vertebrate species. In addition, the in silico prediction for this alteration is inconclusive. Based on the available evidence, the clinical significance of this variant remains unclear.

Labcorp Genetics (formerly Invitae), Labcorp
Classification: Uncertain significance for Dilated cardiomyopathy 1O. Last evaluated: 2025-08-26. Review status: criteria provided, single submitter. Criteria: Invitae Variant Classification Sherloc (09022015). Collection method: clinical testing. Allele origin: germline.
Comment: This sequence change replaces arginine, which is basic and polar, with histidine, which is basic and polar, at codon 1197 of the ABCC9 protein (p.Arg1197His). This variant is present in population databases (rs755156050, gnomAD 0.007%). This missense change has been observed in individual(s) with clinical features of Cantu syndrome (PMID: 32622958). ClinVar contains an entry for this variant (Variation ID: 389883). Invitae Evidence Modeling of protein sequence and biophysical properties (such as structural, functional, and spatial information, amino acid conservation, physicochemical variation, residue mobility, and thermodynamic stability) has been performed for this missense variant. However, the output from this modeling did not meet the statistical confidence thresholds required to predict the impact of this variant on ABCC9 protein function. In summary, the available evidence is currently insufficient to determine the role of this variant in disease. Therefore, it has been classified as a Variant of Uncertain Significance.

GeneDx
Classification: Uncertain significance. Last evaluated: 2023-10-04. Review status: criteria provided, single submitter. Criteria: GeneDx Variant Classification Process June 2021. Collection method: clinical testing. Allele origin: germline. Affected: yes.
Comment: Has been reported as a variant of uncertain significance in two individuals with ABCC9-related Cantu spectrum disorder (Kortum et al., 2020); In silico analysis supports that this missense variant has a deleterious effect on protein structure/function; This variant is associated with the following publications: (PMID: 32622958)

Fulgent Genetics
Classification: Uncertain significance for Hypertrichotic osteochondrodysplasia Cantu type; Dilated cardiomyopathy 1O; Atrial fibrillation, familial, 12; Intellectual disability and myopathy syndrome. Last evaluated: 2021-09-13. Review status: criteria provided, single submitter. Criteria: ACMG Guidelines, 2015. Collection method: clinical testing. Allele origin: unknown.

Literature cited by the submitters: PubMed 32622958 (cited by Ambry Genetics and Labcorp Genetics (formerly Invitae), Labcorp).